The following is an entry in ClinVar:

NM_024649.5(BBS1):c.1339G>A (p.Ala447Thr)

Genes: BBS1 (Bardet-Biedl syndrome 1; plus strand), ZDHHC24 (zDHHC palmitoyltransferase 24; minus strand). Cytogenetic location: 11q13.2.
Variant type: single nucleotide variant.
Coding change: c.1339G>A on transcript NM_024649.5 (MANE Select); coding-DNA position 1339, G replaced by A.
Protein change: p.Ala447Thr; replaces alanine 447 with threonine.
Molecular consequence: missense variant. On other transcripts: intron variant (1).
Genome position (GRCh38, 1-based): chr11:66,526,807, G>A. VCF-style: chr11-66526807-G-A. GRCh37 (hg19) VCF-style: chr11-66294278-G-A.
Other names: c.*21+129C>T (NM_001348571.2); short protein forms A447T.
Identifiers: ClinVar variation 531824 (VCV000531824.19), dbSNP rs200116631, ClinGen allele CA6123700.

ClinVar aggregate classification (germline): Pathogenic/Likely pathogenic. Review status: criteria provided, multiple submitters, no conflicts (2 of 4 stars). 11 submissions from 11 submitters: Pathogenic (6); Likely pathogenic (4). 1 of the submissions does not count toward it. Last evaluated 2026-09-03.

Conditions:
BBS1-related disorder. Also called: BBS1-related condition.
Inborn genetic diseases. Identifiers: MedGen C0950123, MeSH D030342.
Bardet-Biedl syndrome 1 (BBS1). Identifiers: MedGen C2936862, MONDO:0008854, OMIM 209900. Disease mechanism: loss of function.
Bardet-Biedl syndrome (BBS). Identifiers: Orphanet 110, MedGen C0752166, MONDO:0015229.

Allele frequency attached by ClinVar (database versions not stated): 1000 Genomes Project 0.00040; gnomAD exomes 0.00002 and 0.00004; gnomAD 0.00003 and 0.00005; TOPMed 0.00003; 1000 Genomes Project 30x 0.00031; ExAC 0.00006.
gnomAD v4.1: 39 of 1,614,216 alleles (0.0024%); highest among the groups gnomAD compares: South Asian, 0.018%; no homozygotes.

Submissions (11):

GeneDx
Classification: Pathogenic. Last evaluated: 2026-09-03. Review status: criteria provided, single submitter. Criteria: GeneDx Variant Classification Process June 2021. Collection method: clinical testing. Allele origin: germline.
Comment: Non-canonical splice site variant demonstrated to result in loss of function (PMID: 35692835); This variant is associated with the following publications: (PMID: 37031301, 34426522, 28341476, 32349990, 33594065, 35692835, 39206744, 38219857, 40350403, 39843441, 37239474, 27659767, 37892645)

PreventionGenetics, part of Exact Sciences
Classification: Likely pathogenic for BBS1-related condition. Last evaluated: 2026-05-18. Review status: criteria provided, single submitter. Criteria: ACMG Guidelines, 2015. Collection method: clinical testing. Allele origin: germline.
Comment: The BBS1 c.1339G>A variant is predicted to result in the amino acid substitution p.Ala447Thr. This variant has been reported in the homozygous state in an individual with severe, early-onset obesity and in two additional individuals with clinical features consistent with Bardet–Biedl syndrome (Saeed et al. 2020. PubMed ID: 32349990; Table S5, Taylor et al. 2017. PubMed ID: 28341476; Akter et al. 2021. PubMed ID: 33594065). It has also been reported with other BBS1 variants in individuals with inherited retinal disease (Table S1, Lin et al. 2024. PubMed ID: 38219857; Supplemental Table 2, Zhong et al. 2023. PubMed ID: 37031301). This variant is reported in 0.025% of alleles in individuals of East Asian descent in gnomAD, and is consistently classified as pathogenic/likely pathogenic in the ClinVar database (Variation ID: 531824). Taken together, this variant is interpreted as likely pathogenic.

Labcorp Genetics (formerly Invitae), Labcorp
Classification: Pathogenic for Bardet-Biedl syndrome. Last evaluated: 2026-01-09. Review status: criteria provided, single submitter. Criteria: Invitae Variant Classification Sherloc (09022015). Collection method: clinical testing. Allele origin: germline.
Comment: This sequence change replaces alanine, which is neutral and non-polar, with threonine, which is neutral and polar, at codon 447 of the BBS1 protein (p.Ala447Thr). This variant also falls at the last nucleotide of exon 13, which is part of the consensus splice site for this exon. This variant is present in population databases (rs200116631, gnomAD 0.03%). This missense change has been observed in individual(s) with clinical features of Bardet-Biedl syndrome (PMID: 28341476, 32349990, 33594065; internal data). In at least one individual the data is consistent with being in trans (on the opposite chromosome) from a pathogenic variant. ClinVar contains an entry for this variant (Variation ID: 531824). Invitae Evidence Modeling of protein sequence and biophysical properties (such as structural, functional, and spatial information, amino acid conservation, physicochemical variation, residue mobility, and thermodynamic stability) has been performed for this missense variant. However, the output from this modeling did not meet the statistical confidence thresholds required to predict the impact of this variant on BBS1 protein function. Variants that disrupt the consensus splice site are a relatively common cause of aberrant splicing (PMID: 17576681, 9536098). Algorithms developed to predict the effect of sequence changes on RNA splicing suggest that this variant may disrupt the consensus splice site. For these reasons, this variant has been classified as Pathogenic.

Natera, Inc.
Classification: Pathogenic for Bardet-Biedl syndrome type 1. Last evaluated: 2025-05-30. Review status: criteria provided, single submitter. Criteria: Natera Variant Classification Schema (03/2026). Collection method: clinical testing. Allele origin: germline.
Comment: The c.1339G>A variant in BBS1 is a missense variant predicted to cause substitution of alanine to threonine at amino acid 447. This variant is rare in the general population with a frequency below the threshold expected for the associated phenotype(s). This variant has been observed in one or more individuals affected with the associated recessive disease, as either homozygous or compound heterozygous with a second variant (PMID: 33594065, 37239474, 27659767). Functional studies show that this variant may disrupt protein function (PMID: 35692835). Computational prediction algorithms indicate this variant is likely to affect gene or protein function. Given the available evidence, this variant is classified as Pathogenic.

First Genomix Gene Laboratory, Genetic Diagnostics Department
Classification: Pathogenic for Bardet-Biedl syndrome 1. Last evaluated: 2025-03-25. Review status: criteria provided, single submitter. Criteria: ACMG Guidelines, 2015. Collection method: clinical testing. Allele origin: germline. Inheritance: Autosomal recessive inheritance. Affected: no. Observed: 1 variant allele.

Blueprint Genetics
Classification: Pathogenic for BBS1-related disorders. Last evaluated: 2023-12-11. Review status: criteria provided, single submitter. Criteria: ACMG Guidelines, 2015. Collection method: clinical testing. Allele origin: germline. Affected: yes. Observed: 4 variant alleles.

Genetics and Molecular Pathology, SA Pathology
Classification: Likely pathogenic for Bardet-Biedl syndrome 1. Last evaluated: 2023-08-07. Review status: criteria provided, single submitter. Criteria: ACMG Guidelines, 2015. Collection method: clinical testing. Allele origin: germline. Inheritance: Autosomal recessive inheritance. Affected: yes.
Comment: The BBS1 c.1339G>A variant is classified as Likely Pathogenic (PS3, PM2_Supporting, PM3) The BBS1 c.1339G>A variant is a single nucleotide change in exon 13/17 of the BBS1 gene, which is predicted to change the amino acid alanine at position 447 in the protein to threonine. This variant is located in the donor splice region of exon 13. The variant is rare in population databases (gnomAD allele frequency = 0.0045%; 7 het and 0 hom in 152206 sequenced alleles; highest frequency = 0.020%, South Asian population) (PM2_Supporting). An RT-PCR study has been published which demonstrated an extra 115bp originating from intron 13 cut into cDNA, which generated a predicted premature termination codon (PTC) in the BBS1 protein. Further expression analysis by using real-time reverse-transcribed PCR confirmed the occurrence of nonsense-mediated decay (Yan et al, 2022 PMID:35692835) (PS3). The variant has been reported in dbSNP (rs200116631) and in the HGMD database: CM178896. It has been reported as Pathogenic/Likely pathogenic by other diagnostic laboratories (ClinVar Variation ID: 531824).

Fulgent Genetics
Classification: Likely pathogenic for Bardet-Biedl syndrome 1. Last evaluated: 2022-05-08. Review status: criteria provided, single submitter. Criteria: ACMG Guidelines, 2015. Collection method: clinical testing. Allele origin: unknown.

Ambry Genetics
Classification: Likely pathogenic for Inborn genetic diseases. Last evaluated: 2018-05-10. Review status: criteria provided, single submitter. Criteria: Ambry exome assertion method (8-5-2015). Collection method: clinical testing. Allele origin: germline. Affected: yes. Observed: 1 variant allele.

Juno Genomics, Hangzhou Juno Genomics, Inc
Classification: Pathogenic for Bardet-Biedl syndrome 1. Review status: criteria provided, single submitter. Criteria: ACMG Guidelines, 2015. Collection method: clinical testing. Allele origin: germline.
Comment: Absent from controls (or at extremely low frequency if recessive) in Genome Aggregation Database.;Null variant in a gene where loss of function (LOF) is a known mechanism of disease.;For recessive disorders, detected in trans with a pathogenic variant.;Patient's phenotype or family history is highly specific for a disease with a single genetic etiology.

Genetics and Genomic Medicine Centre, NeuroGen Healthcare, NeuroGen Healthcare
Classification: Likely pathogenic. Last evaluated: 2019-12-24. Review status: no assertion criteria provided. Collection method: clinical testing. Allele origin: unknown. Affected: yes. Not counted in ClinVar's aggregate classification.

Literature cited by the submitters: PubMed 28341476 (cited by 3 submitters); PubMed 32349990 (cited by Labcorp Genetics (formerly Invitae), Labcorp and Genetics and Molecular Pathology, SA Pathology); PubMed 33594065 (cited by 3 submitters); PubMed 17576681 (cited by Labcorp Genetics (formerly Invitae), Labcorp); PubMed 9536098 (cited by Labcorp Genetics (formerly Invitae), Labcorp); PubMed 37239474 (cited by Natera, Inc.); PubMed 27659767 (cited by Natera, Inc.); PubMed 35692835 (cited by Natera, Inc. and Genetics and Molecular Pathology, SA Pathology).